The following is an entry in ClinVar:

ClinVar aggregate classification (germline): Benign/Likely benign. Review status: criteria provided, multiple submitters, no conflicts (2 of 4 stars). 3 submissions from 3 submitters: Benign (1); Likely benign (2). Last evaluated 2026-01-05.

Allele frequency attached by ClinVar (database versions not stated): TOPMed below 0.00001; gnomAD 0.00002; ExAC 0.00014.

Submissions (3):

Labcorp Genetics (formerly Invitae), Labcorp
Classification: Benign. Last evaluated: 2026-01-05. Review status: criteria provided, single submitter. Criteria: Invitae Variant Classification Sherloc (09022015). Collection method: clinical testing. Allele origin: germline.

CeGaT Center for Human Genetics Tuebingen
Classification: Likely benign. Last evaluated: 2024-08-01. Review status: criteria provided, single submitter. Criteria: CeGaT Center For Human Genetics Tuebingen Variant Classification Criteria Version 2. Collection method: clinical testing. Allele origin: germline. Affected: yes. Observed: 1 variant allele.
Comment: NR2F1: BP4, BP7

Blueprint Genetics
Classification: Likely benign. Last evaluated: 2023-07-06. Review status: criteria provided, single submitter. Criteria: ACMG Guidelines, 2015. Collection method: clinical testing. Allele origin: germline.

NM_005654.6(NR2F1):c.852C>T (p.Ala284=)

Gene: NR2F1 (nuclear receptor subfamily 2 group F member 1; plus strand). Cytogenetic location: 5q15.
Variant type: single nucleotide variant.
Coding change: c.852C>T on transcript NM_005654.6 (MANE Select); coding-DNA position 852, C replaced by T.
Protein change: p.Ala284=; no amino-acid change (alanine 284 retained).
Molecular consequence: synonymous variant.
Genome position (GRCh38, 1-based): chr5:93,588,305, C>T. VCF-style: chr5-93588305-C-T. GRCh37 (hg19) VCF-style: chr5-92924011-C-T.
Other names: c.402C>T, p.Ala134= (NM_001410754.1).
Identifiers: ClinVar variation 2163333 (VCV002163333.27), dbSNP rs749201458, ClinGen allele CA3343181.